The following is an entry in ClinVar:

ClinVar aggregate classification (germline): Pathogenic (1 of 4 stars; one submission).

Conditions:
Oculofaciocardiodental syndrome (MCOPS2). Identifiers: Orphanet 2712, MedGen C1846265, MONDO:0010261, OMIM 300166.

Submission:

Labcorp Genetics (formerly Invitae), Labcorp
Classification: Pathogenic for Oculofaciocardiodental syndrome. Last evaluated: 2024-12-10. Review status: criteria provided, single submitter. Criteria: Invitae Variant Classification Sherloc (09022015). Collection method: clinical testing. Allele origin: germline.
Comment: This sequence change creates a premature translational stop signal (p.Lys412Argfs*30) in the BCOR gene. It is expected to result in an absent or disrupted protein product. Loss-of-function variants in BCOR are known to be pathogenic (PMID: 15004558, 19367324). This variant is not present in population databases (gnomAD no frequency). This variant has not been reported in the literature in individuals affected with BCOR-related conditions. ClinVar contains an entry for this variant (Variation ID: 2109251). For these reasons, this variant has been classified as Pathogenic.

Literature cited by the submitters: PubMed 15004558; PubMed 19367324.

NM_001123385.2(BCOR):c.1233del (p.Lys412fs)

Genes: BCOR (BCL6 corepressor; minus strand), LOC126863239 (MED14-independent group 3 enhancer GRCh37_chrX:39932994-39934193; plus strand). Cytogenetic location: Xp11.4.
Variant type: Deletion.
Coding change: c.1233del on transcript NM_001123385.2 (MANE Select); coding-DNA position 1233, one base deleted (G; older notation c.1233delG).
Protein change: p.Lys412fs; shifts the reading frame from lysine 412.
Molecular consequence: frameshift variant.
Genome position (GRCh38, 1-based): chrX:40,074,113, C deleted on the plus strand (G on the coding strand, the reverse complement: BCOR is on the minus strand); the first of 2 consecutive C bases (chrX:40,074,113-40,074,114); deleting either gives the same sequence. VCF-style (leftmost placement, unchanged base first): chrX-40074112-TC-T. GRCh37 (hg19) VCF-style: chrX-39933365-TC-T.
Other names: c.1232delG, p.Lys412Argfs (NM_001123383.2); c.1233del, p.Lys412fs (NM_001123384.2, NM_017745.6); short protein forms K412fs.
Identifiers: ClinVar variation 2109251 (VCV002109251.4), dbSNP rs2520039276, ClinGen allele CA2580100860.
Genomic context (GRCh38, chrX:40,074,112, plus strand): 5'-CGGTCTGCTTCTCCAACAGAGGAGGTGAGCTGCCATCTTTTCTGTCTTGAACCGCTGTCT[TC>T]CGGGCATGCCCGGGCACTGGCTGGGCACCTTCGCCCCCTTCCGGAGCCTTGGGATACTTG-3'